The following is an entry in ClinVar:

ClinVar aggregate classification (germline): Uncertain significance (1 of 4 stars; one submission).

Conditions:
Mowat-Wilson syndrome (MOWS). Also called: Classic Mowat-Wilson Syndrome. Identifiers: Orphanet 2152, MedGen C1856113, MONDO:0009341, OMIM 235730.

Allele frequency attached by ClinVar (database versions not stated): gnomAD exomes below 0.00001.
gnomAD v4.1: 1 of 1,614,194 alleles (0.000062%); highest among the groups gnomAD compares: East Asian, 0.0022%; no homozygotes.

Submission:

Labcorp Genetics (formerly Invitae), Labcorp
Classification: Uncertain significance for Mowat-Wilson syndrome. Last evaluated: 2023-11-08. Review status: criteria provided, single submitter. Criteria: Invitae Variant Classification Sherloc (09022015). Collection method: clinical testing. Allele origin: germline.
Comment: This sequence change replaces cysteine, which is neutral and slightly polar, with tryptophan, which is neutral and slightly polar, at codon 495 of the ZEB2 protein (p.Cys495Trp). This variant is not present in population databases (gnomAD no frequency). This variant has not been reported in the literature in individuals affected with ZEB2-related conditions. Advanced modeling of protein sequence and biophysical properties (such as structural, functional, and spatial information, amino acid conservation, physicochemical variation, residue mobility, and thermodynamic stability) performed at Invitae indicates that this missense variant is not expected to disrupt ZEB2 protein function with a negative predictive value of 80%. In summary, the available evidence is currently insufficient to determine the role of this variant in disease. Therefore, it has been classified as a Variant of Uncertain Significance.

NM_014795.4(ZEB2):c.1485C>G (p.Cys495Trp)

Gene: ZEB2 (zinc finger E-box binding homeobox 2; minus strand). Cytogenetic location: 2q22.3.
Variant type: single nucleotide variant.
Coding change: c.1485C>G on transcript NM_014795.4 (MANE Select); coding-DNA position 1485, C replaced by G.
Protein change: p.Cys495Trp; replaces cysteine 495 with tryptophan.
Molecular consequence: missense variant.
Genome position (GRCh38, 1-based): chr2:144,399,702, G>C on the plus strand (C>G on the coding strand, the complement: ZEB2 is on the minus strand). VCF-style: chr2-144399702-G-C. GRCh37 (hg19) VCF-style: chr2-145157269-G-C.
Other names: c.1413C>G, p.Cys471Trp (NM_001171653.2); short protein forms C471W, C495W.
Identifiers: ClinVar variation 2694338 (VCV002694338.3), dbSNP rs1703282674, ClinGen allele CA348711279.